The following is an entry in ClinVar:

NC_000003.12:g.193645729del

Gene: OPA1 (OPA1 mitochondrial dynamin like GTPase; plus strand). Cytogenetic location: 3q29.
Variant type: Deletion.
Genome position: GRCh38 VCF-style: chr3-193645726-AG-A. GRCh37 (hg19) VCF-style: chr3-193363515-AG-A.
Identifiers: ClinVar variation 1074939 (VCV001074939.6), dbSNP rs2109058653, ClinGen allele CA2499216628.
Genomic context (GRCh38, chr3:193,645,726, plus strand): 5'-GTTGTTTTCAAATAATAAAGAGTAATTTTCTTGATGAAAATTTGACCATCATTCTTCCCC[AG>A]GGAACAGCTCTGAAAGCATTGAAGCTATAAGAGAATATGAAGAAGAGTTTTTTCAGAATT-3'

ClinVar aggregate classification (germline): Pathogenic (1 of 4 stars; one submission).

Submission:

Labcorp Genetics (formerly Invitae), Labcorp
Classification: Pathogenic. Last evaluated: 2017-06-30. Review status: criteria provided, single submitter. Criteria: Invitae Variant Classification Sherloc (09022015). Collection method: clinical testing. Allele origin: germline.
Comment: For these reasons, this variant has been classified as Pathogenic. Loss-of-function variants in OPA1 are known to be pathogenic (PMID: 11440988, 23401657, 25564500). This variant has not been reported in the literature in individuals with OPA1-related disease. This variant is not present in population databases (ExAC no frequency). This sequence change creates a premature translational stop signal (p.Asn507Thrfs*9) in the OPA1 gene. It is expected to result in an absent or disrupted protein product.

Literature cited by the submitters: PubMed 11440988; PubMed 23401657; PubMed 25564500.